The following is an entry in ClinVar:

ClinVar aggregate classification (germline): Uncertain significance. Review status: criteria provided, multiple submitters, no conflicts (2 of 4 stars). 4 submissions from 4 submitters: Uncertain significance (4). Last evaluated 2024-05-10.

Conditions:
Inborn genetic diseases. Identifiers: MedGen C0950123, MeSH D030342.
Combined oxidative phosphorylation defect type 11. Also called: ENCEPHALONEUROMYOPATHY, INFANTILE, DUE TO MITOCHONDRIAL TRANSLATION DEFECT; Combined oxidative phosphorylation deficiency 11. Identifiers: Orphanet 324535, MedGen C5190991, MONDO:0013969, OMIM 614922.

Allele frequency attached by ClinVar (database versions not stated): gnomAD exomes 0.00001 and 0.00006; ExAC 0.00003; gnomAD 0.00004 and 0.00006; TOPMed 0.00006; 1000 Genomes Project 30x 0.00016; 1000 Genomes Project 0.00020.
gnomAD v4.1: 28 of 1,613,948 alleles (0.0017%); highest among the groups gnomAD compares: East Asian, 0.056%; no homozygotes.

Submissions (4):

Fulgent Genetics
Classification: Uncertain significance for Combined oxidative phosphorylation defect type 11. Last evaluated: 2024-05-10. Review status: criteria provided, single submitter. Criteria: ACMG Guidelines, 2015. Collection method: clinical testing. Allele origin: germline.

Labcorp Genetics (formerly Invitae), Labcorp
Classification: Uncertain significance. Last evaluated: 2024-02-12. Review status: criteria provided, single submitter. Criteria: Invitae Variant Classification Sherloc (09022015). Collection method: clinical testing. Allele origin: germline.
Comment: This sequence change replaces phenylalanine, which is neutral and non-polar, with isoleucine, which is neutral and non-polar, at codon 176 of the RMND1 protein (p.Phe176Ile). This variant is present in population databases (rs562882988, gnomAD 0.08%). This variant has not been reported in the literature in individuals affected with RMND1-related conditions. ClinVar contains an entry for this variant (Variation ID: 1389510). Advanced modeling of protein sequence and biophysical properties (such as structural, functional, and spatial information, amino acid conservation, physicochemical variation, residue mobility, and thermodynamic stability) performed at Invitae indicates that this missense variant is not expected to disrupt RMND1 protein function with a negative predictive value of 80%. In summary, the available evidence is currently insufficient to determine the role of this variant in disease. Therefore, it has been classified as a Variant of Uncertain Significance.

Ambry Genetics
Classification: Uncertain significance for Inborn genetic diseases. Last evaluated: 2023-02-07. Review status: criteria provided, single submitter. Criteria: Ambry Variant Classification Scheme 2023. Collection method: clinical testing. Allele origin: germline.

Breakthrough Genomics
Classification: Uncertain significance. Review status: criteria provided, single submitter. Criteria: ACMG Guidelines, 2015. Collection method: not provided. Allele origin: germline. Inheritance: Autosomal recessive inheritance. Affected: yes.

NM_017909.4(RMND1):c.526T>A (p.Phe176Ile)

Gene: RMND1 (required for meiotic nuclear division 1 homolog; minus strand). Cytogenetic location: 6q25.1.
Variant type: single nucleotide variant.
Coding change: c.526T>A on transcript NM_017909.4 (MANE Select); coding-DNA position 526, T replaced by A.
Protein change: p.Phe176Ile; replaces phenylalanine 176 with isoleucine.
Molecular consequence: missense variant.
Genome position (GRCh38, 1-based): chr6:151,436,533, A>T on the plus strand (T>A on the coding strand, the complement: RMND1 is on the minus strand). VCF-style: chr6-151436533-A-T. GRCh37 (hg19) VCF-style: chr6-151757668-A-T.
Other names: c.16T>A, p.Phe6Ile (NM_001271937.2); c.526T>A (NM_017909.2); short protein forms F6I, F176I.
Identifiers: ClinVar variation 1389510 (VCV001389510.10), dbSNP rs562882988, ClinGen allele CA4050999.